The following is an entry in ClinVar:

NM_000414.4(HSD17B4):c.1271A>G (p.Lys424Arg)

Gene: HSD17B4 (hydroxysteroid 17-beta dehydrogenase 4; plus strand). Cytogenetic location: 5q23.1.
Variant type: single nucleotide variant.
Coding change: c.1271A>G on transcript NM_000414.4 (MANE Select); coding-DNA position 1271, A replaced by G.
Protein change: p.Lys424Arg; replaces lysine 424 with arginine.
Molecular consequence: missense variant. On other transcripts: non-coding transcript variant (2), intron variant (1).
Genome position (GRCh38, 1-based): chr5:119,506,827, A>G. VCF-style: chr5-119506827-A-G. GRCh37 (hg19) VCF-style: chr5-118842522-A-G.
Other names: c.1346A>G, p.Lys449Arg (NM_001199291.3); c.1217A>G, p.Lys406Arg (NM_001199292.2); c.1199A>G, p.Lys400Arg (NM_001292027.2); c.851A>G, p.Lys284Arg (NM_001292028.2); c.1262A>G, p.Lys421Arg (NM_001374497.1); c.944A>G, p.Lys315Arg (NM_001374499.1); c.830A>G, p.Lys277Arg (NM_001374500.1); c.860A>G, p.Lys287Arg (NM_001374501.1, NM_001374502.1, NM_001374503.1); and 1 more; short protein forms K277R, K400R, K287R, K406R, K424R, K449R, K284R, K315R.
Identifiers: ClinVar variation 1495698 (VCV001495698.6), dbSNP rs2126806471, ClinGen allele CA360868513.

ClinVar aggregate classification (germline): Uncertain significance (1 of 4 stars; one submission).

Conditions:
Perrault syndrome. Also called: Gonadal dysgenesis with auditory dysfunction, autosomal recessive inheritance. Identifiers: Orphanet 2855, MedGen C0685838, MONDO:0017312.
Bifunctional peroxisomal enzyme deficiency (DBIF). Also called: DBP DEFICIENCY; PBFE DEFICIENCY; D-bifunctional protein deficiency. Identifiers: Orphanet 300, MedGen C0342870, MONDO:0009855, OMIM 261515. Disease mechanism: loss of function.

Submission:

Labcorp Genetics (formerly Invitae), Labcorp
Classification: Uncertain significance for Perrault syndrome; Bifunctional peroxisomal enzyme deficiency. Last evaluated: 2022-06-28. Review status: criteria provided, single submitter. Criteria: Invitae Variant Classification Sherloc (09022015). Collection method: clinical testing. Allele origin: germline.
Comment: In summary, the available evidence is currently insufficient to determine the role of this variant in disease. Therefore, it has been classified as a Variant of Uncertain Significance. Advanced modeling of protein sequence and biophysical properties (such as structural, functional, and spatial information, amino acid conservation, physicochemical variation, residue mobility, and thermodynamic stability) performed at Invitae indicates that this missense variant is not expected to disrupt HSD17B4 protein function. This variant has not been reported in the literature in individuals affected with HSD17B4-related conditions. This variant is not present in population databases (gnomAD no frequency). This sequence change replaces lysine, which is basic and polar, with arginine, which is basic and polar, at codon 424 of the HSD17B4 protein (p.Lys424Arg).